The following is an entry in ClinVar:

ClinVar aggregate classification (germline): Uncertain significance (1 of 4 stars; one submission).

Allele frequency attached by ClinVar (database versions not stated): gnomAD exomes below 0.00001; gnomAD 0.00001; TOPMed 0.00002; ExAC 0.00003.
gnomAD v4.1: 7 of 1,610,182 alleles (0.00043%); highest among the groups gnomAD compares: East Asian, 0.013%; no homozygotes.

Submission:

Labcorp Genetics (formerly Invitae), Labcorp
Classification: Uncertain significance. Last evaluated: 2025-03-18. Review status: criteria provided, single submitter. Criteria: Invitae Variant Classification Sherloc (09022015). Collection method: clinical testing. Allele origin: germline.
Comment: This sequence change replaces glutamic acid, which is acidic and polar, with lysine, which is basic and polar, at codon 294 of the ZCCHC8 protein (p.Glu294Lys). This variant is present in population databases (rs749724899, gnomAD 0.04%). This variant has not been reported in the literature in individuals affected with ZCCHC8-related conditions. ClinVar contains an entry for this variant (Variation ID: 2184897). Invitae Evidence Modeling of protein sequence and biophysical properties (such as structural, functional, and spatial information, amino acid conservation, physicochemical variation, residue mobility, and thermodynamic stability) indicates that this missense variant is not expected to disrupt ZCCHC8 protein function with a negative predictive value of 80%. In summary, the available evidence is currently insufficient to determine the role of this variant in disease. Therefore, it has been classified as a Variant of Uncertain Significance.

NM_017612.5(ZCCHC8):c.880G>A (p.Glu294Lys)

Gene: ZCCHC8 (zinc finger CCHC-type containing 8; minus strand). Cytogenetic location: 12q24.31.
Variant type: single nucleotide variant.
Coding change: c.880G>A on transcript NM_017612.5 (MANE Select); coding-DNA position 880, G replaced by A.
Protein change: p.Glu294Lys; replaces glutamic acid 294 with lysine.
Molecular consequence: missense variant.
Genome position (GRCh38, 1-based): chr12:122,481,660, C>T on the plus strand (G>A on the coding strand, the complement: ZCCHC8 is on the minus strand). VCF-style: chr12-122481660-C-T. GRCh37 (hg19) VCF-style: chr12-122966207-C-T.
Other names: c.649G>A, p.Glu217Lys (NM_001350935.2); c.583G>A, p.Glu195Lys (NM_001350936.2); c.166G>A, p.Glu56Lys (NM_001350937.2, NM_001350938.2); short protein forms E195K, E56K, E294K, E217K.
Identifiers: ClinVar variation 2184897 (VCV002184897.4), dbSNP rs749724899, ClinGen allele CA6846333.
Genomic context (GRCh38, chr12:122,481,660, plus strand): 5'-GCATCCGATAGATAAAAGGTGGAAGACTCTTGTCTGTCACACCTAGTGCATCTTGAAGTT[C>T]CTCACTAAGTAAAAATAAAGGAGGAAGAAAAATACTGAATTCTTATTTGCATGAAAACAC-3'
Protein context (NP_060082.2, residues 284-304): GRFKPGVISE[Glu294Lys]LQDALGVTDK